The following is an entry in ClinVar:

ClinVar aggregate classification (germline): Pathogenic/Likely pathogenic. Review status: criteria provided, multiple submitters, no conflicts (2 of 4 stars). 40 submissions from 40 submitters: Pathogenic (35); Likely pathogenic (1). 4 of the submissions do not count toward it. Last evaluated 2026-05-13.

Conditions:
MYBPC3-related disorder. Also called: MYBPC3-related disorders; MYBPC3-related condition; MYBPC3-related disease.
Cardiovascular phenotype. Identifiers: MedGen CN230736.
Left ventricular noncompaction 10 (LVNC10). Identifiers: Orphanet 154, Orphanet 54260, MedGen C3715165, MONDO:0014163, OMIM 615396.
Hypertrophic cardiomyopathy 4. Also called: Familial hypertrophic cardiomyopathy 4. Identifiers: MedGen C1861862, MONDO:0007268, OMIM 115197.
Cardiomyopathy (CMYO). Also called: Cardiomyopathies. Identifiers: Orphanet 167848, MedGen C0878544, MONDO:0004994, HP:0001638. Inheritance: Various modes of inheritance.
Primary familial hypertrophic cardiomyopathy (HCM). Identifiers: Orphanet 99739, MedGen C0949658, MeSH D024741, MONDO:0024573. Inheritance: Various modes of inheritance.
Hypertrophic cardiomyopathy. Also called: HYPERTROPHIC MYOCARDIOPATHY. Identifiers: Orphanet 217569, MedGen C0007194, MeSH D002312, MONDO:0005045, HP:0001639.

Allele frequency attached by ClinVar (database versions not stated): gnomAD exomes 0.00003 and 0.00002; gnomAD 0.00003 and 0.00004; TOPMed 0.00003; ExAC 0.00004.
gnomAD v4.1: 54 of 1,604,418 alleles (0.0034%); highest among the groups gnomAD compares: Non-Finnish European, 0.0042%; no homozygotes.

Submissions 1 to 8 of 40:

PreventionGenetics, part of Exact Sciences
Classification: Pathogenic for MYBPC3-related condition. Last evaluated: 2026-05-13. Review status: criteria provided, single submitter. Criteria: ACMG Guidelines, 2015. Collection method: clinical testing. Allele origin: germline.
Comment: The MYBPC3 c.772G>A variant is predicted to result in the amino acid substitution p.Glu258Lys. This variant, alternatively referred to as p.Glu264Lys in literature, has been reported in greater than fifty unrelated individuals with hypertrophic cardiomyopathy (see for example Niimura et al. 1998. PubMed ID: 9562578; Tables S1A and S1B, Walsh et al. 2017. PubMed ID: 27532257). This variant is located at the last base of the exon and functional studies demonstrate this variant causes exon skipping resulting in a frameshift and premature protein termination (Helms et al. 2014. PubMed ID: 25031304). This variant is reported in 0.0085% of alleles in individuals of African descent in gnomAD. This variant has been interpreted as pathogenic/likely pathogenic by multiple submitters in ClinVar (Variation ID: 42792). This variant is interpreted as pathogenic.

Labcorp Genetics (formerly Invitae), Labcorp
Classification: Pathogenic for Hypertrophic cardiomyopathy. Last evaluated: 2026-02-02. Review status: criteria provided, single submitter. Criteria: Invitae Variant Classification Sherloc (09022015). Collection method: clinical testing. Allele origin: germline.
Comment: This sequence change replaces glutamic acid, which is acidic and polar, with lysine, which is basic and polar, at codon 258 of the MYBPC3 protein (p.Glu258Lys). RNA analysis indicates that this missense change induces altered splicing and may result in an absent or altered protein product. This variant is present in population databases (rs397516074, gnomAD 0.009%). This missense change has been observed in individuals with hypertrophic cardiomyopathy (HCM) (PMID: 9562578, 12707239, 15563892, 18533079, 20031602, 22267749, 23233322). This variant is also known as E264K. ClinVar contains an entry for this variant (Variation ID: 42792). An algorithm developed to predict the effect of missense changes on protein structure and function (PolyPhen-2) suggests that this variant is likely to be disruptive. Experimental studies have shown that this missense change affects MYBPC3 function (PMID: 15769446, 19590044, 23980194). Studies have shown that this missense change results in skipping of exon 6, and produces a non-functional protein and/or introduces a premature termination codon (PMID: 15114369, 19574547, 25031304). For these reasons, this variant has been classified as Pathogenic.

Variantyx, Inc.
Classification: Pathogenic for Hypertrophic cardiomyopathy 4. Last evaluated: 2026-01-22. Review status: criteria provided, single submitter. Criteria: Variantyx Assertion Criteria 2022. Collection method: clinical testing. Allele origin: germline. Inheritance: Autosomal dominant inheritance. Affected: yes.
Comment: This is a nonsynonymous variant in the MYBPC3 gene (OMIM: 600958). Pathogenic variants in this gene have been associated with autosomal dominant hypertrophic cardiomyopathy 4. Computational algorithms produce conflicting evidence regarding the predicted functional impact of this variant (REVEL score: 0.616) but functional studies have shown that this variant results in abnormal splicing, leading to skipping of exon 6, which is expected to cause loss of function (PMID: 25031304, 30645170) (PVS1). This variant has been reported in many unrelated affected individuals (PMID: 27532257, 12707239, 12707239, 22267749, 23233322) (PS4) and it has been observed to segregate with disease in at least 5 individuals from one family (PMID: 9562578) (PP1). This variant has a 0.0042% maximum allele frequency in non-founder control populations. Based on the current evidence, this variant is classified as pathogenic for autosomal dominant hypertrophic cardiomyopathy 4.

Victorian Clinical Genetics Services, Murdoch Childrens Research Institute
Classification: Pathogenic for Hypertrophic cardiomyopathy 4. Last evaluated: 2025-10-20. Review status: criteria provided, single submitter. Criteria: ACMG Guidelines, 2015. Collection method: clinical testing. Allele origin: germline. Affected: yes.
Comment: This variant is classified as Pathogenic. Evidence in support of pathogenic classification: Splice site variant proven to affect splicing of the transcript with a known effect on protein sequence. This variant is reported in the literature as p.(Glu258Lys). However, functional studies showed exon 6 skipping resulting in p.(Val219Argfs*42), predicted to undergo nonsense-mediated decay (NMD) (PMIDs: 15114369, 25031304); Variant is present in gnomAD <0.01 (v4: 54 heterozygote(s), 0 homozygote(s)); This variant has strong previous evidence of pathogenicity in unrelated individuals. This variant has been classified as pathogenic/likely pathogenic by clinical laboratories in ClinVar, and has been reported in the literature in heterozygous individuals with hypertrophic cardiomyopathy (VCGS internal data; PMIDs: 25031304, 27532257); Other premature termination variants comparable to the one identified in this case have very strong previous evidence for pathogenicity. Many NMD-predicted variants in this gene have been reported as likely pathogenic/pathogenic (DECIPHER). Additional information: This variant is heterozygous; This gene is associated with both recessive and dominant disease. Dominant inheritance is frequently reported in adult onset conditions and recessive inheritance results in a more severe early onset phenotype (OMIM); Loss of function is a known mechanism of disease in this gene and is associated with hypertrophic cardiomyopathy 4 (HCM; MIM#115197); Variants in this gene are known to have variable expressivity (PMID: 32841044); Inheritance information for this variant is not currently available in this individual.

Ambry Genetics
Classification: Pathogenic for Cardiovascular phenotype. Last evaluated: 2025-08-13. Review status: criteria provided, single submitter. Criteria: Ambry Variant Classification Scheme 2023. Collection method: clinical testing. Allele origin: germline.
Comment: The c.772G>A (p.E258K) alteration is located in exon 6 (coding exon 6) of the MYBPC3 gene. This alteration results from a G to A substitution at nucleotide position 772, causing the glutamic acid (E) at amino acid position 258 to be replaced by a lysine (K). However, this change occurs in the last base pair of coding exon 6, which makes it likely to have some effect on normal mRNA splicing. Based on data from gnomAD, the A allele has an overall frequency of 0.002% (6/272910) total alleles studied. The highest observed frequency was 0.009% (2/23498) of African alleles. This alteration has been identified in multiple individuals with hypertrophic cardiomyopathy (HCM) with co-segregation and a suggested founder effect (Niimura, 1998; Girolami, 2006; Bongini, 2016). In one study, RT-qPCR analysis showed that the altered allele resulted in skipping of exon 6 and all of the mutant transcripts were truncated (Helms AS et al. Circ Cardiovasc Genet. 2014;7(4):434-43). Based on the available evidence, this alteration is classified as pathogenic.

Women's Health and Genetics/Laboratory Corporation of America, LabCorp
Classification: Pathogenic for Primary familial hypertrophic cardiomyopathy. Last evaluated: 2025-03-04. Review status: criteria provided, single submitter. Criteria: LabCorp Variant Classification Summary - May 2015. Collection method: clinical testing. Allele origin: germline.
Comment: Variant summary: MYBPC3 c.772G>A (p.Glu258Lys) results in a conservative amino acid change in the encoded protein sequence. Two of three in-silico tools predict a benign effect of the variant on protein function. 5/5 programs via Alamut predict that this variant affects normal splicing. Multiple functional studies confirmed that the variant leads to exon 6 skipping resulting in a premature stop codon (Anderson_2004, Helms_2014). Heterozygous loss-of-function due to mutations in the MYBPC3 gene is an established disease mechanism in HCM. The variant allele was found at a frequency of 1.7e-05 in 241964 control chromosomes. The variant has been recurrently found in numerous patients with HCM and is reported to cosegregate with the disease (Niimura_1998; Girolami_2006). ClinVar contains an entry for this variant (Variation ID: 42792). Based on the evidence outlined above, the variant was classified as pathogenic.

CeGaT Center for Human Genetics Tuebingen
Classification: Pathogenic. Last evaluated: 2025-03-01. Review status: criteria provided, single submitter. Criteria: CeGaT Center For Human Genetics Tuebingen Variant Classification Criteria Version 2. Collection method: clinical testing. Allele origin: germline. Affected: yes. Observed: 4 variant alleles.
Comment: MYBPC3: PP1:Strong, PM2, PS4:Moderate, PVS1:Moderate, PM5:Supporting

Laboratory of Genetics, Children's Clinical University Hospital Latvia
Classification: Pathogenic. Last evaluated: 2025-02-16. Review status: criteria provided, single submitter. Criteria: ACMG Guidelines, 2015. Collection method: clinical testing. Allele origin: germline. Affected: yes.

NM_000256.3(MYBPC3):c.772G>A (p.Glu258Lys)

Gene: MYBPC3 (myosin binding protein C3; minus strand). Cytogenetic location: 11p11.2.
Variant type: single nucleotide variant.
Coding change: c.772G>A on transcript NM_000256.3 (MANE Select); coding-DNA position 772, G replaced by A.
Protein change: p.Glu258Lys; replaces glutamic acid 258 with lysine.
Molecular consequence: missense variant.
Genome position (GRCh38, 1-based): chr11:47,348,424, C>T on the plus strand (G>A on the coding strand, the complement: MYBPC3 is on the minus strand). VCF-style: chr11-47348424-C-T. GRCh37 (hg19) VCF-style: chr11-47369975-C-T.
Other names: p.E258K:GAG>AAG; short protein forms E258K.
Identifiers: ClinVar variation 42792 (VCV000042792.107), dbSNP rs397516074, ClinGen allele CA015823.
Genomic context (GRCh38, chr11:47,348,424, plus strand): 5'-GGTAGGAGACCAGGACCCATGGGGAGCCCGAGCCCAGGACAGACACCAGGGCCCCCTCAC[C>T]GTGGACAGTGAGATTGAAGTTGGAGCAGTCAAATTTGTCCTTGGTGGACACCTCACAGCG-3'
Protein context (NP_000247.2, residues 248-268): DCSNFNLTVH[Glu258Lys]AMGTGDLDLL